The following is an entry in ClinVar:

NM_006648.4(WNK2):c.865C>T (p.Arg289Trp)

Gene: WNK2 (WNK lysine deficient protein kinase 2; plus strand). Cytogenetic location: 9q22.31.
Variant type: single nucleotide variant.
Coding change: c.865C>T on transcript NM_006648.4 (MANE Select); coding-DNA position 865, C replaced by T.
Protein change: p.Arg289Trp; replaces arginine 289 with tryptophan.
Molecular consequence: missense variant.
Genome position (GRCh38, 1-based): chr9:93,230,898, C>T. VCF-style: chr9-93230898-C-T. GRCh37 (hg19) VCF-style: chr9-95993180-C-T.
Other names: c.865C>T, p.Arg289Trp (NM_001282394.3); short protein forms R289W.
Identifiers: ClinVar variation 3470402 (VCV003470402.1).

ClinVar aggregate classification (germline): Uncertain significance (1 of 4 stars; one submission).

gnomAD v4.1: 4 of 1,612,816 alleles (0.00025%); highest among the groups gnomAD compares: East Asian, 0.0022%; no homozygotes.

Submission:

Ambry Genetics
Classification: Uncertain significance. Last evaluated: 2024-11-25. Review status: criteria provided, single submitter. Criteria: Ambry Variant Classification Scheme 2023. Collection method: clinical testing. Allele origin: germline.
Comment: The p.R289W variant (also known as c.865C>T), located in coding exon 3 of the WNK2 gene, results from a C to T substitution at nucleotide position 865. The arginine at codon 289 is replaced by tryptophan, an amino acid with dissimilar properties. This amino acid position is conserved. In addition, the in silico prediction for this alteration is inconclusive. Based on the available evidence, the clinical significance of this variant remains unclear.